The following is an entry in ClinVar:

ClinVar aggregate classification (germline): Uncertain significance (1 of 4 stars; one submission).

Submission:

Labcorp Genetics (formerly Invitae), Labcorp
Classification: Uncertain significance. Last evaluated: 2023-05-20. Review status: criteria provided, single submitter. Criteria: Invitae Variant Classification Sherloc (09022015). Collection method: clinical testing. Allele origin: germline.
Comment: In summary, the available evidence is currently insufficient to determine the role of this variant in disease. Therefore, it has been classified as a Variant of Uncertain Significance. Advanced modeling of protein sequence and biophysical properties (such as structural, functional, and spatial information, amino acid conservation, physicochemical variation, residue mobility, and thermodynamic stability) performed at Invitae indicates that this missense variant is not expected to disrupt NEDD4L protein function. This sequence change replaces serine, which is neutral and polar, with cysteine, which is neutral and slightly polar, at codon 113 of the NEDD4L protein (p.Ser113Cys). This variant is not present in population databases (gnomAD no frequency). This variant has not been reported in the literature in individuals affected with NEDD4L-related conditions. ClinVar contains an entry for this variant (Variation ID: 1023433).

NM_001144967.3(NEDD4L):c.337A>T (p.Ser113Cys)

Genes: NEDD4L (NEDD4 like E3 ubiquitin protein ligase; plus strand), LOC126862763 (CDK7 strongly-dependent group 2 enhancer GRCh37_chr18:55982687-55983886; plus strand). Cytogenetic location: 18q21.31.
Variant type: single nucleotide variant.
Coding change: c.337A>T on transcript NM_001144967.3 (MANE Select); coding-DNA position 337, A replaced by T.
Protein change: p.Ser113Cys; replaces serine 113 with cysteine.
Molecular consequence: missense variant. On other transcripts: 5 prime UTR variant (5).
Genome position (GRCh38, 1-based): chr18:58,316,021, A>T. VCF-style: chr18-58316021-A-T. GRCh37 (hg19) VCF-style: chr18-55983253-A-T.
Other names: c.-27A>T (NM_001144964.1, NM_001144965.2, NM_001144966.3 and 2 more transcripts); c.313A>T, p.Ser105Cys (NM_001144968.2, NM_001144969.2); c.337A>T, p.Ser113Cys (NM_001243960.2, NM_015277.6); short protein forms S105C, S113C.
Identifiers: ClinVar variation 1023433 (VCV001023433.7), dbSNP rs2058221483, ClinGen allele CA402548229.
Genomic context (GRCh38, chr18:58,316,021, plus strand): 5'-TCTTTGTTCTCTTCCTAACAGACACGAGACGACTTCCTGGGCCAGGTGGACGTGCCCCTT[A>T]GTCACCTTCCGGTAAGGACAGTCTCATGTTTGATGCTTCGTGCTGGGGGCGGGGGTTTCT-3'
Protein context (NP_001138439.1, residues 103-123): DFLGQVDVPL[Ser113Cys]HLPTEDPTME